The following is an entry in ClinVar:

ClinVar aggregate classification (germline): Conflicting classifications of pathogenicity. Review status: criteria provided, conflicting classifications (1 of 4 stars). 2 submissions from 2 submitters: Uncertain significance (1); Likely benign (1). Last evaluated 2026-03-01.

Allele frequency attached by ClinVar (database versions not stated): ESP Exome Variant Server 0.00008; TOPMed below 0.00001; gnomAD 0.00002; gnomAD exomes 0.00002.
gnomAD v4.1: 27 of 1,613,916 alleles (0.0017%); highest among the groups gnomAD compares: Non-Finnish European, 0.0022%; no homozygotes.

Submissions (2):

CeGaT Center for Human Genetics Tuebingen
Classification: Uncertain significance. Last evaluated: 2026-03-01. Review status: criteria provided, single submitter. Criteria: CeGaT Center For Human Genetics Tuebingen Variant Classification Criteria Version 2. Collection method: clinical testing. Allele origin: germline. Affected: yes. Observed: 1 variant allele.
Comment: PPM1D: PP2

Labcorp Genetics (formerly Invitae), Labcorp
Classification: Likely benign. Last evaluated: 2023-12-11. Review status: criteria provided, single submitter. Criteria: Invitae Variant Classification Sherloc (09022015). Collection method: clinical testing. Allele origin: germline.

NM_003620.4(PPM1D):c.938G>C (p.Ser313Thr)

Gene: PPM1D (protein phosphatase, Mg2+/Mn2+ dependent 1D; plus strand). Cytogenetic location: 17q23.2.
Variant type: single nucleotide variant.
Coding change: c.938G>C on transcript NM_003620.4 (MANE Select); coding-DNA position 938, G replaced by C.
Protein change: p.Ser313Thr; replaces serine 313 with threonine.
Molecular consequence: missense variant.
Genome position (GRCh38, 1-based): chr17:60,648,003, G>C. VCF-style: chr17-60648003-G-C. GRCh37 (hg19) VCF-style: chr17-58725364-G-C.
Other names: short protein forms S313T.
Identifiers: ClinVar variation 2038156 (VCV002038156.8), dbSNP rs139366904, ClinGen allele CA292249080.